The following is an entry in ClinVar:

NM_021098.3(CACNA1H):c.4820G>A (p.Arg1607His)

Gene: CACNA1H (calcium voltage-gated channel subunit alpha1 H; plus strand). Cytogenetic location: 16p13.3.
Variant type: single nucleotide variant.
Coding change: c.4820G>A on transcript NM_021098.3 (MANE Select); coding-DNA position 4820, G replaced by A.
Protein change: p.Arg1607His; replaces arginine 1607 with histidine.
Molecular consequence: missense variant.
Genome position (GRCh38, 1-based): chr16:1,213,822, G>A. VCF-style: chr16-1213822-G-A. GRCh37 (hg19) VCF-style: chr16-1263822-G-A.
Other names: c.4802G>A, p.Arg1601His (NM_001005407.2); short protein forms R1601H, R1607H.
Identifiers: ClinVar variation 847919 (VCV000847919.12), dbSNP rs377532485, ClinGen allele CA7801632.

ClinVar aggregate classification (germline): Conflicting classifications of pathogenicity. Review status: criteria provided, conflicting classifications (1 of 4 stars). 4 submissions from 4 submitters: Uncertain significance (3); Likely benign (1). Last evaluated 2025-03-25.

Conditions:
Hyperaldosteronism, familial, type IV (HALD4). Also called: FH IV; ALDOSTERONISM, PRIMARY, AND HYPERTENSION. Identifiers: Orphanet 642671, MedGen C4310756, MONDO:0014875, OMIM 617027.
Epilepsy, childhood absence, susceptibility to, 6. Identifiers: Orphanet 64280, MedGen C2749872, MONDO:0012763, OMIM 611942.
CACNA1H-related disorder.
Inborn genetic diseases. Identifiers: MedGen C0950123, MeSH D030342.
Idiopathic generalized epilepsy. Also called: Generalised epilepsy; EIG. Identifiers: MedGen C0270850, MONDO:0005579, OMIM 600669.

Allele frequency attached by ClinVar (database versions not stated): gnomAD exomes 0.00001; TOPMed 0.00005; ExAC 0.00008.
gnomAD v4.1: 12 of 1,587,178 alleles (0.00076%); highest among the groups gnomAD compares: South Asian, 0.0011%; no homozygotes.

Submissions (4):

PreventionGenetics, part of Exact Sciences
Classification: Uncertain significance for CACNA1H-related condition. Last evaluated: 2025-03-25. Review status: criteria provided, single submitter. Criteria: ACMG Guidelines, 2015. Collection method: clinical testing. Allele origin: germline.
Comment: The CACNA1H c.4820G>A variant is predicted to result in the amino acid substitution p.Arg1607His. To our knowledge, this variant has not been reported in the literature. This variant is reported in 0.0038% of alleles in individuals of South Asian descent in gnomAD. At this time, the clinical significance of this variant is uncertain due to the absence of conclusive functional and genetic evidence.

Ambry Genetics
Classification: Uncertain significance for Inborn genetic diseases. Last evaluated: 2024-11-15. Review status: criteria provided, single submitter. Criteria: Ambry Variant Classification Scheme 2023. Collection method: clinical testing. Allele origin: germline.

Labcorp Genetics (formerly Invitae), Labcorp
Classification: Likely benign for Idiopathic generalized epilepsy; Hyperaldosteronism, familial, type IV. Last evaluated: 2024-10-24. Review status: criteria provided, single submitter. Criteria: Invitae Variant Classification Sherloc (09022015). Collection method: clinical testing. Allele origin: germline.

Fulgent Genetics
Classification: Uncertain significance for Epilepsy, childhood absence, susceptibility to, 6; Hyperaldosteronism, familial, type IV. Last evaluated: 2022-02-02. Review status: criteria provided, single submitter. Criteria: ACMG Guidelines, 2015. Collection method: clinical testing. Allele origin: unknown.